The following is an entry in ClinVar:

NM_032383.5(HPS3):c.2102C>A (p.Ser701Ter)

Gene: HPS3 (HPS3 biogenesis of lysosomal organelles complex 2 subunit 1; plus strand). Cytogenetic location: 3q24.
Variant type: single nucleotide variant.
Coding change: c.2102C>A on transcript NM_032383.5 (MANE Select); coding-DNA position 2102, C replaced by A.
Protein change: p.Ser701Ter; replaces serine 701 with a stop codon.
Molecular consequence: nonsense.
Genome position (GRCh38, 1-based): chr3:149,160,275, C>A. VCF-style: chr3-149160275-C-A. GRCh37 (hg19) VCF-style: chr3-148878062-C-A.
Other names: c.1607C>A, p.Ser536Ter (NM_001308258.2); short protein forms S536*, S701*.
Identifiers: ClinVar variation 5011272 (VCV005011272.1).
Genomic context (GRCh38, chr3:149,160,275, plus strand): 5'-CAGCAGTGGCTCTGAAAATGGGAGATCTTGACATGCACAGAAATGAAATGAAAAGCCATT[C>A]AGAGGTATGGAGCTCTGCCCGGTGCTAACAGAAGGCTGAAATAGGACCTGGTAATCCTGA-3'

ClinVar aggregate classification (germline): Pathogenic (1 of 4 stars; one submission).

Conditions:
Hermansky-Pudlak syndrome 3 (HPS3). Identifiers: Orphanet 231512, Orphanet 79430, MedGen C3888001, MONDO:0013555, OMIM 614072.

gnomAD v4.1: 1 of 1,606,766 alleles (0.000062%); highest among the groups gnomAD compares: South Asian, 0.0011%; no homozygotes.

Submission:

Myriad Genetics, Inc.
Classification: Pathogenic for Hermansky-Pudlak syndrome 3. Last evaluated: 2023-08-09. Review status: criteria provided, single submitter. Criteria: Myriad Autosomal Dominant, Autosomal Recessive and X-Linked Classification Criteria (2023). Collection method: clinical testing. Allele origin: unknown.
Comment: NM_032383.3(HPS3):c.2102C>A(S701*) is expected to be pathogenic in the context of Hermansky-Pudlak syndrome, HPS3-related. This variant is predicted to lead to an abnormal or absent protein product due to the creation of a premature termination codon in HPS3, a gene where loss-of-function variants are known to be pathogenic. Please note: this variant was assessed in the context of healthy population screening.